The following is an entry in ClinVar:

ClinVar aggregate classification (germline): Likely benign (1 of 4 stars; one submission).

gnomAD v4.1: 777 of 1,614,142 alleles (0.048%); highest among the groups gnomAD compares: South Asian, 0.5%; 8 homozygotes.

Submission:

CeGaT Center for Human Genetics Tuebingen
Classification: Likely benign. Last evaluated: 2025-12-01. Review status: criteria provided, single submitter. Criteria: CeGaT Center For Human Genetics Tuebingen Variant Classification Criteria Version 2. Collection method: clinical testing. Allele origin: germline. Affected: yes. Observed: 1 variant allele.
Comment: TMEM94: BP4, BP7

NM_014738.6(TMEM94):c.57G>A (p.Thr19=)

Gene: TMEM94 (transmembrane protein 94; plus strand). Cytogenetic location: 17q25.1.
Variant type: single nucleotide variant.
Coding change: c.57G>A on transcript NM_014738.6 (MANE Select); coding-DNA position 57, G replaced by A.
Protein change: p.Thr19=; no amino-acid change (threonine 19 retained).
Molecular consequence: synonymous variant.
Genome position (GRCh38, 1-based): chr17:75,485,460, G>A. VCF-style: chr17-75485460-G-A. GRCh37 (hg19) VCF-style: chr17-73481541-G-A.
Other names: c.87G>A, p.Thr29= (NM_001321148.2, NM_001351203.2, NM_001438843.1 and 1 more transcripts); c.57G>A, p.Thr19= (NM_001321149.2, NM_001351202.2, NM_001438841.1 and 5 more transcripts).
Identifiers: ClinVar variation 4681423 (VCV004681423.5).
Genomic context (GRCh38, chr17:75,485,460, plus strand): 5'-ACGCCCAGCGCCTCCTGCTTGCCTGCAGGGCGAGCCTCCCTCAGCCCTGGGCCTGTCCAC[G>A]CGGAAGGCCCTCAGCGTCCTGAAGGAGCAGCTGGAGGCAGTGCTGGAAGGACATCTCAGG-3'
Protein context (NP_055553.3, residues 9-29): GEPPSALGLS[Thr19=]RKALSVLKEQ